The following is an entry in ClinVar:

NM_001273.5(CHD4):c.4877G>C (p.Arg1626Thr)

Genes: CHD4 (chromodomain helicase DNA binding protein 4; minus strand), CHD4-AS1 (CHD4 antisense RNA 1; plus strand). Cytogenetic location: 12p13.31.
Variant type: single nucleotide variant.
Coding change: c.4877G>C on transcript NM_001273.5 (MANE Select); coding-DNA position 4877, G replaced by C.
Protein change: p.Arg1626Thr; replaces arginine 1626 with threonine.
Molecular consequence: missense variant.
Genome position (GRCh38, 1-based): chr12:6,581,076, C>G on the plus strand (G>C on the coding strand, the complement: CHD4 is on the minus strand). VCF-style: chr12-6581076-C-G. GRCh37 (hg19) VCF-style: chr12-6690242-C-G.
Other names: c.4856G>C, p.Arg1619Thr (NM_001297553.2); c.4838G>C, p.Arg1613Thr (NM_001363606.2); short protein forms R1613T, R1619T, R1626T.
Identifiers: ClinVar variation 3902851 (VCV003902851.1).

ClinVar aggregate classification (germline): Uncertain significance (1 of 4 stars; one submission).

Submission:

GeneDx
Classification: Uncertain significance. Last evaluated: 2024-12-11. Review status: criteria provided, single submitter. Criteria: GeneDx Variant Classification Process June 2021. Collection method: clinical testing. Allele origin: germline. Affected: yes.
Comment: Not observed at significant frequency in large population cohorts (gnomAD); In silico analysis indicates that this missense variant does not alter protein structure/function; Has not been previously published as pathogenic or benign to our knowledge